The following is an entry in ClinVar:

ClinVar aggregate classification (germline): Uncertain significance (1 of 4 stars; one submission).

Submission:

GeneDx
Classification: Uncertain significance. Last evaluated: 2022-01-07. Review status: criteria provided, single submitter. Criteria: GeneDx Variant Classification Process June 2021. Collection method: clinical testing. Allele origin: germline. Affected: yes.
Comment: Not observed at significant frequency in large population cohorts (gnomAD); In silico analysis supports that this missense variant has a deleterious effect on protein structure/function; Has not been previously published as pathogenic or benign to our knowledge

NM_022915.5(MRPL44):c.618T>G (p.Ser206Arg)

Gene: MRPL44 (mitochondrial ribosomal protein L44; plus strand). Cytogenetic location: 2q36.1.
Variant type: single nucleotide variant.
Coding change: c.618T>G on transcript NM_022915.5 (MANE Select); coding-DNA position 618, T replaced by G.
Protein change: p.Ser206Arg; replaces serine 206 with arginine.
Molecular consequence: missense variant.
Genome position (GRCh38, 1-based): chr2:223,959,972, T>G. VCF-style: chr2-223959972-T-G. GRCh37 (hg19) VCF-style: chr2-224824689-T-G.
Other names: short protein forms S206R.
Identifiers: ClinVar variation 1695583 (VCV001695583.2), dbSNP rs2106116796, ClinGen allele CA350807433.